The following is an entry in ClinVar:

NM_138691.3(TMC1):c.1522G>A (p.Ala508Thr)

Gene: TMC1 (transmembrane channel like 1; plus strand). Cytogenetic location: 9q21.13.
Variant type: single nucleotide variant.
Coding change: c.1522G>A on transcript NM_138691.3 (MANE Select); coding-DNA position 1522, G replaced by A.
Protein change: p.Ala508Thr; replaces alanine 508 with threonine.
Molecular consequence: missense variant.
Genome position (GRCh38, 1-based): chr9:72,792,308, G>A. VCF-style: chr9-72792308-G-A. GRCh37 (hg19) VCF-style: chr9-75407224-G-A.
Other names: short protein forms A508T.
Identifiers: ClinVar variation 4881560 (VCV004881560.2).
Genomic context (GRCh38, chr9:72,792,308, plus strand): 5'-AAGGCCTACAATGCATCATTCTCTGAAAATAGCACTGGACCACCCTTTTTTGTTCACCCT[G>A]CAGATGTACCTCGAGGACCTTGCTGGGAAACAATGGTGGGACAGGTAATGCCACCAACAG-3'
Protein context (NP_619636.2, residues 498-518): STGPPFFVHP[Ala508Thr]DVPRGPCWET

ClinVar aggregate classification (germline): Uncertain significance (1 of 4 stars; one submission).

Submission:

Dasa
Classification: Uncertain significance. Last evaluated: 2025-08-18. Review status: criteria provided, single submitter. Criteria: DASA Assertion Criteria. Collection method: clinical testing. Allele origin: germline.
Comment: NM_138691.3(TMC1):c.1522G>A (p.Ala508Thr) is a missense variant that results in the substitution of alanine with threonine. This variant is absent from population databases. The currently available literature and clinical evidence are not sufficient to establish a definitive association between this variant and the reported condition. Therefore, this variant is classified as a variant of uncertain significance.